The following is an entry in ClinVar:

ClinVar aggregate classification (germline): Uncertain significance (1 of 4 stars; one submission).

Conditions:
Inborn genetic diseases. Identifiers: MedGen C0950123, MeSH D030342.

Submission:

Ambry Genetics
Classification: Uncertain significance for Inborn genetic diseases. Last evaluated: 2024-01-09. Review status: criteria provided, single submitter. Criteria: Ambry Variant Classification Scheme 2023. Collection method: clinical testing. Allele origin: germline.
Comment: The c.2380C>T (p.L794F) alteration is located in exon 19 (coding exon 18) of the CNOT1 gene. This alteration results from a C to T substitution at nucleotide position 2380, causing the leucine (L) at amino acid position 794 to be replaced by a phenylalanine (F). This variant was not reported in population-based cohorts in the Genome Aggregation Database (gnomAD). This amino acid position is highly conserved in available vertebrate species. The in silico prediction for this alteration is inconclusive. Based on insufficient or conflicting evidence, the clinical significance of this alteration remains unclear.

NM_016284.5(CNOT1):c.2380C>T (p.Leu794Phe)

Gene: CNOT1 (CCR4-NOT transcription complex subunit 1; minus strand). Cytogenetic location: 16q21.
Variant type: single nucleotide variant.
Coding change: c.2380C>T on transcript NM_016284.5 (MANE Select); coding-DNA position 2380, C replaced by T.
Protein change: p.Leu794Phe; replaces leucine 794 with phenylalanine.
Molecular consequence: missense variant. On other transcripts: non-coding transcript variant (1).
Genome position (GRCh38, 1-based): chr16:58,556,946, G>A on the plus strand (C>T on the coding strand, the complement: CNOT1 is on the minus strand). VCF-style: chr16-58556946-G-A. GRCh37 (hg19) VCF-style: chr16-58590850-G-A.
Other names: c.2380C>T, p.Leu794Phe (NM_001265612.2, NM_206999.3); short protein forms L794F.
Identifiers: ClinVar variation 3146582 (VCV003146582.1), dbSNP rs2543964554, ClinGen allele CA396131072.